The following is an entry in ClinVar:

ClinVar aggregate classification (germline): Uncertain significance (1 of 4 stars; one submission).

Submission:

GeneDx
Classification: Uncertain significance. Last evaluated: 2023-05-15. Review status: criteria provided, single submitter. Criteria: GeneDx Variant Classification Process June 2021. Collection method: clinical testing. Allele origin: germline. Affected: yes.
Comment: Not observed at significant frequency in large population cohorts (gnomAD); In silico analysis supports that this missense variant has a deleterious effect on protein structure/function; Has not been previously published as pathogenic or benign to our knowledge

NM_001042681.2(RERE):c.3716T>C (p.Ile1239Thr)

Gene: RERE (arginine-glutamic acid dipeptide repeats; minus strand). Cytogenetic location: 1p36.23.
Variant type: single nucleotide variant.
Coding change: c.3716T>C on transcript NM_001042681.2 (MANE Select); coding-DNA position 3716, T replaced by C.
Protein change: p.Ile1239Thr; replaces isoleucine 1239 with threonine.
Molecular consequence: missense variant.
Genome position (GRCh38, 1-based): chr1:8,358,819, A>G on the plus strand (T>C on the coding strand, the complement: RERE is on the minus strand). VCF-style: chr1-8358819-A-G. GRCh37 (hg19) VCF-style: chr1-8418879-A-G.
Other names: c.2054T>C, p.Ile685Thr (NM_001042682.2); c.3716T>C, p.Ile1239Thr (NM_012102.4); short protein forms I1239T, I685T.
Identifiers: ClinVar variation 2662036 (VCV002662036.1), dbSNP rs2522697810, ClinGen allele CA338169991.